The following is an entry in ClinVar:

ClinVar aggregate classification (germline): Conflicting classifications of pathogenicity. Review status: criteria provided, conflicting classifications (1 of 4 stars). 5 submissions from 5 submitters: Pathogenic (1); Likely pathogenic (3); Uncertain significance (1). Last evaluated 2025-12-24.

Conditions:
Very long chain acyl-CoA dehydrogenase deficiency (ACADVLD). Also called: Very Long-Chain Acyl-Coenzyme A Dehydrogenase Deficiency; VLCAD Deficiency. Identifiers: Orphanet 26793, MedGen C3887523, MONDO:0008723, OMIM 201475.

Allele frequency attached by ClinVar (database versions not stated): gnomAD 0.00001.
gnomAD v4.1: 2 of 1,614,016 alleles (0.00012%); highest among the groups gnomAD compares: African/African-American, 0.0013%; no homozygotes.

Submissions (5):

Labcorp Genetics (formerly Invitae), Labcorp
Classification: Pathogenic for Very long chain acyl-CoA dehydrogenase deficiency. Last evaluated: 2025-12-24. Review status: criteria provided, single submitter. Criteria: Invitae Variant Classification Sherloc (09022015). Collection method: clinical testing. Allele origin: germline.
Comment: This sequence change replaces lysine, which is basic and polar, with asparagine, which is neutral and polar, at codon 382 of the ACADVL protein (p.Lys382Asn). This variant is not present in population databases (gnomAD no frequency). This missense change has been observed in individual(s) with clinical features of very long chain acyl-CoA dehydrogenase deficiency (PMID: 23867825, 31031081). In at least one individual the data is consistent with being in trans (on the opposite chromosome) from a pathogenic variant. It has also been observed to segregate with disease in related individuals. ClinVar contains an entry for this variant (Variation ID: 389672). Invitae Evidence Modeling of protein sequence and biophysical properties (such as structural, functional, and spatial information, amino acid conservation, physicochemical variation, residue mobility, and thermodynamic stability) indicates that this missense variant is expected to disrupt ACADVL protein function with a positive predictive value of 80%. This variant disrupts the p.Lys382 amino acid residue in ACADVL. Other variant(s) that disrupt this residue have been determined to be pathogenic (PMID: 8554073, 20060901, 29552494, 31497477). This suggests that this residue is clinically significant, and that variants that disrupt this residue are likely to be disease-causing. For these reasons, this variant has been classified as Pathogenic.

Women's Health and Genetics/Laboratory Corporation of America, LabCorp
Classification: Likely pathogenic for Very long chain acyl-CoA dehydrogenase deficiency. Last evaluated: 2025-07-10. Review status: criteria provided, single submitter. Criteria: LabCorp Variant Classification Summary - May 2015. Collection method: clinical testing. Allele origin: germline.
Comment: Variant summary: ACADVL c.1146G>C (p.Lys382Asn) results in a non-conservative amino acid change in the encoded protein sequence. Algorithms developed to predict the effect of missense changes on protein structure and function all suggest that this variant is likely to be disruptive. The variant was absent in 251490 control chromosomes. c.1146G>C has been observed in the compound heterozygous state in at least 2 individual(s) affected with Very Long Chain Acyl-CoA Dehydrogenase Deficiency (example, Pena_2016, Rovelli_2019, Miller_2015). These data indicate that the variant may be associated with disease. A different missense at the same codon has been determined to be likely pathogenic/pathogenic by our laboratory (c.1144A>C, p.Lys382Gln), supporting the clinical relevance of codon 382 for ACADVL protein function. One publication reports experimental evidence evaluating an impact on protein function, however, does not allow convincing conclusions about the variant effect (Erlingsson_2014). The following publications have been ascertained in the context of this evaluation (PMID: 23867825, 27209629, 31031081, 40149952, 30925787, 26385305, 32778825). ClinVar contains an entry for this variant (Variation ID: 389672). Based on the evidence outlined above, the variant was classified as likely pathogenic.

Baylor Genetics
Classification: Likely pathogenic for Very long chain acyl-CoA dehydrogenase deficiency. Last evaluated: 2023-03-24. Review status: criteria provided, single submitter. Criteria: ACMG Guidelines, 2015. Collection method: clinical testing. Allele origin: unknown.

Wong Mito Lab, Molecular and Human Genetics, Baylor College of Medicine
Classification: Uncertain significance for Very long chain acyl-CoA dehydrogenase deficiency. Last evaluated: 2019-11-01. Review status: criteria provided, single submitter. Criteria: ACMG Guidelines, 2015. Collection method: clinical testing. Allele origin: germline.
Comment: The NM_000018.3:c.1146G>C (NP_000009.1:p.Lys382Asn) [GRCH38: NC_000017.11:g.7223201G>C] variant in ACADVL gene is interpretated to be Uncertain Significance based on ACMG guidelines (PMID: 25741868). This variant has been reported. This variant meets the following evidence codes reported in the ACMG guidelines: PP3

GeneDx
Classification: Likely pathogenic. Last evaluated: 2016-09-26. Review status: criteria provided, single submitter. Criteria: GeneDx Variant Classification (06012015). Collection method: clinical testing. Allele origin: germline. Affected: yes.
Comment: The K382N variant in the ACADVL gene has previously been reproted in a single individual with very long chain acyl-CoA dehydrogenase (VLCAD) deficiency who was also compound heterozygous for a frameshift variant in the ACADVL gene (Ndukwe et al., 2013). The K382N variant was not observed in approximately 6,500 individuals of European and African American ancestry in the NHLBI Exome Sequencing Project, indicating it is not a common benign variant in these populations. The K382N variant is a semi-conservative amino acid substitution, which may impact secondary protein structure as these residues differ in some properties. This substitution occurs at a position that is conserved across species, and in silico analysis predicts this variant is probably damaging to the protein structure/function. Therefore, this variant is likely pathogenic; however, the possibility that it is benign cannot be excluded.

Literature cited by the submitters: PubMed 23867825 (cited by Labcorp Genetics (formerly Invitae), Labcorp and Women's Health and Genetics/Laboratory Corporation of America, LabCorp); PubMed 31031081 (cited by Labcorp Genetics (formerly Invitae), Labcorp and Women's Health and Genetics/Laboratory Corporation of America, LabCorp); PubMed 8554073 (cited by Labcorp Genetics (formerly Invitae), Labcorp); PubMed 20060901 (cited by Labcorp Genetics (formerly Invitae), Labcorp); PubMed 29552494 (cited by Labcorp Genetics (formerly Invitae), Labcorp); PubMed 31497477 (cited by Labcorp Genetics (formerly Invitae), Labcorp); PubMed 26385305 (cited by Women's Health and Genetics/Laboratory Corporation of America, LabCorp); PubMed 27209629 (cited by Women's Health and Genetics/Laboratory Corporation of America, LabCorp); PubMed 32778825 (cited by Women's Health and Genetics/Laboratory Corporation of America, LabCorp); PubMed 40149952 (cited by Women's Health and Genetics/Laboratory Corporation of America, LabCorp); PubMed 30925787 (cited by Women's Health and Genetics/Laboratory Corporation of America, LabCorp).

NM_000018.4(ACADVL):c.1146G>C (p.Lys382Asn)

Gene: ACADVL (acyl-CoA dehydrogenase very long chain; plus strand). Cytogenetic location: 17p13.1.
Variant type: single nucleotide variant.
Coding change: c.1146G>C on transcript NM_000018.4 (MANE Select); coding-DNA position 1146, G replaced by C.
Protein change: p.Lys382Asn; replaces lysine 382 with asparagine.
Molecular consequence: missense variant.
Genome position (GRCh38, 1-based): chr17:7,223,201, G>C. VCF-style: chr17-7223201-G-C. GRCh37 (hg19) VCF-style: chr17-7126520-G-C.
Other names: c.1080G>C, p.Lys360Asn (NM_001033859.3); c.1215G>C, p.Lys405Asn (NM_001270447.2); c.918G>C, p.Lys306Asn (NM_001270448.2); short protein forms K382N, K360N, K306N, K405N.
Identifiers: ClinVar variation 389672 (VCV000389672.10), dbSNP rs1057523504, ClinGen allele CA16607872.